The following is an entry in ClinVar:

ClinVar aggregate classification (germline): Uncertain significance (1 of 4 stars; one submission).

gnomAD v4.1: 1 of 1,537,122 alleles (0.000065%); highest among the groups gnomAD compares: Non-Finnish European, 0.000087%; no homozygotes.

Submission:

Ambry Genetics
Classification: Uncertain significance. Last evaluated: 2026-07-30. Review status: criteria provided, single submitter. Criteria: Ambry Variant Classification Scheme 2023. Collection method: clinical testing. Allele origin: germline.
Comment: The p.S641* variant (also known as c.1922C>A), located in coding exon 11 of the PALLD gene, results from a C to A substitution at nucleotide position 1922. This changes the amino acid from a serine to a stop codon within coding exon 11. The evidence for this gene-disease relationship is limited; therefore, the clinical significance of this variant is unclear.

NM_001166108.2(PALLD):c.*108C>A

Genes: CBR4 (carbonyl reductase 4; minus strand), PALLD (palladin, cytoskeletal associated protein; plus strand). Cytogenetic location: 4q32.3.
Variant type: single nucleotide variant.
Coding change: c.*108C>A on transcript NM_001166108.2 (MANE Select); 108 bases downstream of the stop codon, C replaced by A.
Molecular consequence: 3 prime UTR variant. On other transcripts: nonsense (4).
Genome position (GRCh38, 1-based): chr4:168,926,288, C>A. VCF-style: chr4-168926288-C-A. GRCh37 (hg19) VCF-style: chr4-169847439-C-A.
Other names: c.2237C>A, p.Ser746Ter (NM_001166109.2); c.1922C>A, p.Ser641Ter (NM_001166110.2); c.*108C>A (NM_001367567.1, NM_001367570.1, NM_016081.4); c.1313C>A, p.Ser438Ter (NM_001367568.1); c.1262C>A, p.Ser421Ter (NM_001367569.1); short protein forms S421*, S641*, S438*, S746*.
Identifiers: ClinVar variation 4130424 (VCV004130424.2).